The following is an entry in ClinVar:

ClinVar aggregate classification (germline): Uncertain significance. Review status: criteria provided, multiple submitters, no conflicts (2 of 4 stars). 2 submissions from 2 submitters: Uncertain significance (2). Last evaluated 2026-01-05.

Conditions:
Inborn genetic diseases. Identifiers: MedGen C0950123, MeSH D030342.

Allele frequency attached by ClinVar (database versions not stated): gnomAD 0.00001.
gnomAD v4.1: 11 of 1,207,728 alleles (0.00091%); highest among the groups gnomAD compares: Non-Finnish European, 0.0011%; no homozygotes.

Submissions (2):

Ambry Genetics
Classification: Uncertain significance for Inborn genetic diseases. Last evaluated: 2026-01-05. Review status: criteria provided, single submitter. Criteria: Ambry Variant Classification Scheme 2023. Collection method: clinical testing. Allele origin: germline.
Comment: The c.931C>A (p.Q311K) alteration is located in exon 10 (coding exon 10) of the POLA1 gene. This alteration results from a C to A substitution at nucleotide position 931, causing the glutamine (Q) at amino acid position 311 to be replaced by a lysine (K). Based on data from gnomAD, the A allele has an overall frequency of <0.001% (1/182243) total alleles studied. The highest observed frequency was 0.001% (1/81569) of European (non-Finnish) alleles. Based on insufficient or conflicting evidence, the clinical significance of this alteration remains unclear.

Labcorp Genetics (formerly Invitae), Labcorp
Classification: Uncertain significance. Last evaluated: 2022-07-06. Review status: criteria provided, single submitter. Criteria: Invitae Variant Classification Sherloc (09022015). Collection method: clinical testing. Allele origin: germline.
Comment: This sequence change replaces glutamine, which is neutral and polar, with lysine, which is basic and polar, at codon 311 of the POLA1 protein (p.Gln311Lys). The frequency data for this variant in the population databases is considered unreliable, as metrics indicate poor data quality at this position in the gnomAD database. This variant has not been reported in the literature in individuals affected with POLA1-related conditions. Algorithms developed to predict the effect of missense changes on protein structure and function (SIFT, PolyPhen-2, Align-GVGD) all suggest that this variant is likely to be tolerated. In summary, the available evidence is currently insufficient to determine the role of this variant in disease. Therefore, it has been classified as a Variant of Uncertain Significance.

NM_001330360.2(POLA1):c.949C>A (p.Gln317Lys)

Gene: POLA1 (DNA polymerase alpha 1, catalytic subunit; plus strand). Cytogenetic location: Xp22.11.
Variant type: single nucleotide variant.
Coding change: c.949C>A on transcript NM_001330360.2 (MANE Select); coding-DNA position 949, C replaced by A.
Protein change: p.Gln317Lys; replaces glutamine 317 with lysine.
Molecular consequence: missense variant. On other transcripts: non-coding transcript variant (2).
Genome position (GRCh38, 1-based): chrX:24,717,620, C>A. VCF-style: chrX-24717620-C-A. GRCh37 (hg19) VCF-style: chrX-24735737-C-A.
Other names: c.931C>A (NM_016937.3); c.949C>A, p.Gln317Lys (NM_001378303.1); c.931C>A, p.Gln311Lys (NM_016937.4); short protein forms Q317K, Q311K.
Identifiers: ClinVar variation 1924047 (VCV001924047.6), dbSNP rs1426455234, ClinGen allele CA412530878.